The following is an entry in ClinVar:

ClinVar aggregate classification (germline): Likely pathogenic (1 of 4 stars; one submission).

Submission:

Labcorp Genetics (formerly Invitae), Labcorp
Classification: Likely pathogenic. Last evaluated: 2022-08-16. Review status: criteria provided, single submitter. Criteria: Invitae Variant Classification Sherloc (09022015). Collection method: clinical testing. Allele origin: germline.
Comment: This variant has not been reported in the literature in individuals affected with CUL7-related conditions. This sequence change affects a donor splice site in intron 6 of the CUL7 gene. It is expected to disrupt RNA splicing. Variants that disrupt the donor or acceptor splice site typically lead to a loss of protein function (PMID: 16199547), and loss-of-function variants in CUL7 are known to be pathogenic (PMID: 16142236, 17675530, 19225462). This variant is not present in population databases (gnomAD no frequency). ClinVar contains an entry for this variant (Variation ID: 1468799). Algorithms developed to predict the effect of sequence changes on RNA splicing suggest that this variant may disrupt the consensus splice site. In summary, the currently available evidence indicates that the variant is pathogenic, but additional data are needed to prove that conclusively. Therefore, this variant has been classified as Likely Pathogenic.

Literature cited by the submitters: PubMed 16199547; PubMed 16142236; PubMed 17675530; PubMed 19225462.

NM_014780.5(CUL7):c.1569+1G>T

Gene: CUL7 (cullin 7; minus strand). Cytogenetic location: 6p21.1.
Variant type: single nucleotide variant.
Coding change: c.1569+1G>T on transcript NM_014780.5 (MANE Select); the canonical splice donor site of the intron after coding-DNA position 1569, G replaced by T.
Molecular consequence: splice donor variant.
Genome position (GRCh38, 1-based): chr6:43,049,962, C>A on the plus strand (G>T on the coding strand, the complement: CUL7 is on the minus strand). VCF-style: chr6-43049962-C-A. GRCh37 (hg19) VCF-style: chr6-43017700-C-A.
Other names: c.1665+1G>T (NM_001168370.2, NM_001374872.1); c.1569+1G>T (NM_001374874.1, NM_001374873.1).
Identifiers: ClinVar variation 1468799 (VCV001468799.6), dbSNP rs2150332431, ClinGen allele CA364223255.